The following is an entry in ClinVar:

ClinVar aggregate classification (germline): Uncertain significance (1 of 4 stars; one submission).

Conditions:
Inflammatory bowel disease 28. Also called: Inflammatory bowel disease 28, early onset, autosomal recessive. Identifiers: Orphanet 238569, MedGen C2751053, MONDO:0013153, OMIM 613148.

Allele frequency attached by ClinVar (database versions not stated): gnomAD exomes below 0.00001; TOPMed below 0.00001; ExAC 0.00002.
gnomAD v4.1: 6 of 1,614,042 alleles (0.00037%); highest among the groups gnomAD compares: Non-Finnish European, 0.00051%; no homozygotes.

Submission:

Labcorp Genetics (formerly Invitae), Labcorp
Classification: Uncertain significance for Inflammatory bowel disease 28. Last evaluated: 2021-12-22. Review status: criteria provided, single submitter. Criteria: Invitae Variant Classification Sherloc (09022015). Collection method: clinical testing. Allele origin: germline.
Comment: This sequence change replaces valine, which is neutral and non-polar, with methionine, which is neutral and non-polar, at codon 198 of the IL10RA protein (p.Val198Met). This variant is present in population databases (rs761879815, gnomAD 0.003%). This variant has not been reported in the literature in individuals affected with IL10RA-related conditions. Algorithms developed to predict the effect of missense changes on protein structure and function output the following: SIFT: "Tolerated"; PolyPhen-2: "Benign"; Align-GVGD: "Class C0". The methionine amino acid residue is found in multiple mammalian species, which suggests that this missense change does not adversely affect protein function. In summary, the available evidence is currently insufficient to determine the role of this variant in disease. Therefore, it has been classified as a Variant of Uncertain Significance.

NM_001558.4(IL10RA):c.592G>A (p.Val198Met)

Gene: IL10RA (interleukin 10 receptor subunit alpha; plus strand). Cytogenetic location: 11q23.3.
Variant type: single nucleotide variant.
Coding change: c.592G>A on transcript NM_001558.4 (MANE Select); coding-DNA position 592, G replaced by A.
Protein change: p.Val198Met; replaces valine 198 with methionine.
Molecular consequence: missense variant. On other transcripts: non-coding transcript variant (1).
Genome position (GRCh38, 1-based): chr11:117,994,053, G>A. VCF-style: chr11-117994053-G-A. GRCh37 (hg19) VCF-style: chr11-117864768-G-A.
Other names: short protein forms V198M.
Identifiers: ClinVar variation 1915043 (VCV001915043.2), dbSNP rs761879815, ClinGen allele CA6298990.